The following is an entry in ClinVar:

ClinVar aggregate classification (germline): Likely benign. Review status: criteria provided, multiple submitters, no conflicts (2 of 4 stars). 2 submissions from 2 submitters: Likely benign (2). Last evaluated 2026-07-20.

Conditions:
OTOGL-related disorder. Also called: OTOGL-related condition.

Allele frequency attached by ClinVar (database versions not stated): gnomAD exomes below 0.00001 and 0.00001; gnomAD 0.00001; ExAC 0.00002; TOPMed 0.00002; 1000 Genomes Project 30x 0.00016; 1000 Genomes Project 0.00020.
gnomAD v4.1: 9 of 1,612,876 alleles (0.00056%); highest among the groups gnomAD compares: African/African-American, 0.011%; no homozygotes.

Submissions (2):

PreventionGenetics, part of Exact Sciences
Classification: Likely benign for OTOGL-related condition. Last evaluated: 2026-07-20. Review status: criteria provided, single submitter. Criteria: ACMG Guidelines, 2015. Collection method: clinical testing. Allele origin: germline.
Comment: This variant is classified as likely benign based on ACMG/AMP sequence variant interpretation guidelines (Richards et al. 2015 PMID: 25741868, with internal and published modifications).

Labcorp Genetics (formerly Invitae), Labcorp
Classification: Likely benign. Last evaluated: 2022-02-03. Review status: criteria provided, single submitter. Criteria: Invitae Variant Classification Sherloc (09022015). Collection method: clinical testing. Allele origin: germline.

NM_001378609.3(OTOGL):c.3558G>A (p.Lys1186=)

Gene: OTOGL (otogelin like; plus strand). Cytogenetic location: 12q21.31.
Variant type: single nucleotide variant.
Coding change: c.3558G>A on transcript NM_001378609.3 (MANE Select); coding-DNA position 3558, G replaced by A.
Protein change: p.Lys1186=; no amino-acid change (lysine 1186 retained).
Molecular consequence: synonymous variant.
Genome position (GRCh38, 1-based): chr12:80,313,583, G>A. VCF-style: chr12-80313583-G-A. GRCh37 (hg19) VCF-style: chr12-80707363-G-A.
Other names: c.3531G>A (NM_173591.3); c.3423G>A, p.Lys1141= (NM_001368062.3); c.3558G>A, p.Lys1186= (NM_001378610.3, NM_173591.7).
Identifiers: ClinVar variation 1458987 (VCV001458987.9), dbSNP rs185924153, ClinGen allele CA6701123.
Genomic context (GRCh38, chr12:80,313,583, plus strand): 5'-CTGCAATCTTGGTGGCGACTGTGAGTGTTTGTGCACTAGTATAGCTGCATATGCATACAA[G>A]TGTTGTCAGGAAGGAATATCAATTCATTGGAGATCATCTACTGTTTGTTGTAAGTACCCT-3'
Protein context (NP_001365538.2, residues 1176-1196): LCTSIAAYAY[Lys1186=]CCQEGISIHW